The following is an entry in ClinVar:

ClinVar aggregate classification (germline): Conflicting classifications of pathogenicity. Review status: criteria provided, conflicting classifications (1 of 4 stars). 5 submissions from 5 submitters: Uncertain significance (3); Benign (1); Likely benign (1). Last evaluated 2025-08-03.

Conditions:
Charcot-Marie-Tooth disease type 4. Also called: Charcot-Marie-Tooth disease, type IV; Charcot-Marie-Tooth, Type 4. Identifiers: Orphanet 64749, MedGen C4082197, MONDO:0018995.
Charcot-Marie-Tooth disease type 4F. Also called: Charcot-Marie-Tooth disease, demyelinating, type 4F. Identifiers: Orphanet 99952, MedGen C3540453, MONDO:0013959, OMIM 614895.
PRX-related disorder. Also called: PRX-Related Disorders; PRX-related condition.
Inborn genetic diseases. Identifiers: MedGen C0950123, MeSH D030342.

Allele frequency attached by ClinVar (database versions not stated): gnomAD exomes 0.00002; ExAC 0.00004; gnomAD 0.00025; 1000 Genomes Project 0.00040.

Submissions (5):

Labcorp Genetics (formerly Invitae), Labcorp
Classification: Uncertain significance for Charcot-Marie-Tooth disease type 4. Last evaluated: 2025-08-03. Review status: criteria provided, single submitter. Criteria: Invitae Variant Classification Sherloc (09022015). Collection method: clinical testing. Allele origin: germline.
Comment: This sequence change replaces leucine, which is neutral and non-polar, with proline, which is neutral and non-polar, at codon 523 of the PRX protein (p.Leu523Pro). The frequency data for this variant in the population databases is considered unreliable, as metrics indicate poor data quality at this position in the gnomAD database. This variant has not been reported in the literature in individuals affected with PRX-related conditions. ClinVar contains an entry for this variant (Variation ID: 329275). An algorithm developed to predict the effect of missense changes on protein structure and function outputs the following: PolyPhen-2: "Benign". The proline amino acid residue is found in multiple mammalian species, which suggests that this missense change does not adversely affect protein function. In summary, the available evidence is currently insufficient to determine the role of this variant in disease. Therefore, it has been classified as a Variant of Uncertain Significance.

PreventionGenetics, part of Exact Sciences
Classification: Uncertain significance for PRX-related condition. Last evaluated: 2025-04-30. Review status: criteria provided, single submitter. Criteria: ACMG Guidelines, 2015. Collection method: clinical testing. Allele origin: germline.
Comment: The PRX c.1568T>C variant is predicted to result in the amino acid substitution p.Leu523Pro. To our knowledge, this variant has not been reported in the literature. This variant is reported in 0.0070% of alleles in individuals of South Asian descent in gnomAD. At this time, the clinical significance of this variant is uncertain due to the absence of conclusive functional and genetic evidence.

Laboratory of Genetics, Children's Clinical University Hospital Latvia
Classification: Benign. Last evaluated: 2025-02-16. Review status: criteria provided, single submitter. Criteria: ACMG Guidelines, 2015. Collection method: clinical testing. Allele origin: germline. Affected: yes.

Ambry Genetics
Classification: Likely benign for Inborn genetic diseases. Last evaluated: 2022-02-10. Review status: criteria provided, single submitter. Criteria: Ambry Variant Classification Scheme 2023. Collection method: clinical testing. Allele origin: germline.

Illumina Laboratory Services, Illumina
Classification: Uncertain significance for Charcot-Marie-Tooth disease type 4F. Last evaluated: 2018-01-13. Review status: criteria provided, single submitter. Criteria: ICSL Variant Classification Criteria 13 December 2019. Collection method: clinical testing. Allele origin: germline.

NM_181882.3(PRX):c.1568T>C (p.Leu523Pro)

Gene: PRX (periaxin; minus strand). Cytogenetic location: 19q13.2.
Variant type: single nucleotide variant.
Coding change: c.1568T>C on transcript NM_181882.3 (MANE Select); coding-DNA position 1568, T replaced by C.
Protein change: p.Leu523Pro; replaces leucine 523 with proline.
Molecular consequence: missense variant. On other transcripts: 3 prime UTR variant (1).
Genome position (GRCh38, 1-based): chr19:40,396,784, A>G on the plus strand (T>C on the coding strand, the complement: PRX is on the minus strand). VCF-style: chr19-40396784-A-G. GRCh37 (hg19) VCF-style: chr19-40902691-A-G.
Other names: c.*1773T>C (NM_020956.2); short protein forms L523P.
Identifiers: ClinVar variation 329275 (VCV000329275.10), dbSNP rs550446238, ClinGen allele CA9444240.
Genomic context (GRCh38, chr19:40,396,784, plus strand): 5'-AGCCGCACCTCCGGCACAGCCATCTCTGGCACCTTTGGGAGTTTCATCTCCGACACTTTC[A>G]GCAGCTGTACCTCTGGAAGCCGCACCTCCGGCACAGCCATCTCTGGCACCTTTGGGAGTT-3'
Protein context (NP_870998.2, residues 513-533): PEVRLPEVQL[Leu523Pro]KVSEMKLPKV